The following is an entry in ClinVar:

ClinVar aggregate classification (germline): Likely benign (0 of 4 stars; one submission).

Conditions:
MYCBP2-related disorder. Also called: MYCBP2-related condition.

Allele frequency attached by ClinVar (database versions not stated): ExAC 0.00002; gnomAD 0.00003; gnomAD exomes 0.00006; TOPMed 0.00006.
gnomAD v4.1: 93 of 1,612,778 alleles (0.0058%); highest among the groups gnomAD compares: Non-Finnish European, 0.0073%; no homozygotes.

Submission:

PreventionGenetics, part of Exact Sciences
Classification: Likely benign for MYCBP2-related condition. Last evaluated: 2020-01-29. Review status: no assertion criteria provided. Collection method: clinical testing. Allele origin: germline.
Comment: This variant is classified as likely benign based on ACMG/AMP sequence variant interpretation guidelines (Richards et al. 2015 PMID: 25741868, with internal and published modifications).

NM_015057.5(MYCBP2):c.10461A>G (p.Gln3487=)

Gene: MYCBP2 (MYC binding protein 2; minus strand). Cytogenetic location: 13q22.3.
Variant type: single nucleotide variant.
Coding change: c.10461A>G on transcript NM_015057.5 (MANE Select); coding-DNA position 10461, A replaced by G.
Protein change: p.Gln3487=; no amino-acid change (glutamine 3487 retained).
Molecular consequence: synonymous variant.
Genome position (GRCh38, 1-based): chr13:77,090,170, T>C on the plus strand (A>G on the coding strand, the complement: MYCBP2 is on the minus strand). VCF-style: chr13-77090170-T-C. GRCh37 (hg19) VCF-style: chr13-77664305-T-C.
Identifiers: ClinVar variation 3051917 (VCV003051917.2), dbSNP rs748173064, ClinGen allele CA7008331.
Genomic context (GRCh38, chr13:77,090,170, plus strand): 5'-GTCTCCACTGTTAACTCTTCTTCTAGGAATAGCTTTAACTCGTGCAGGTAAAATGGAGTG[T>C]TGTTTATCATATTCGGAAGCAACAACTGAGTATGATCTTTGGAAGACAGTTCTCTTTGCA-3'
Protein context (NP_055872.4, residues 3477-3497): YSVVASEYDK[Gln3487=]HSILPARVKA